The following is an entry in ClinVar:

ClinVar aggregate classification (germline): Uncertain significance (1 of 4 stars; one submission).

Conditions:
DK1-congenital disorder of glycosylation. Also called: DK1-CDG; DOLK-congenital disorder of glycosylation; Carbohydrate deficient glycoprotein syndrome type 1m; DK1 DEFICIENCY; DOLICHOL KINASE DEFICIENCY; CONGENITAL DISORDER OF GLYCOSYLATION, TYPE Im. Identifiers: Orphanet 91131, MedGen C1835849, MONDO:0012556, OMIM 610768.

Submission:

Labcorp Genetics (formerly Invitae), Labcorp
Classification: Uncertain significance for DK1-congenital disorder of glycosylation. Last evaluated: 2021-07-04. Review status: criteria provided, single submitter. Criteria: Invitae Variant Classification Sherloc (09022015). Collection method: clinical testing. Allele origin: germline.
Comment: In summary, the available evidence is currently insufficient to determine the role of this variant in disease. Therefore, it has been classified as a Variant of Uncertain Significance. Algorithms developed to predict the effect of missense changes on protein structure and function (SIFT, PolyPhen-2, Align-GVGD) all suggest that this variant is likely to be tolerated. This variant has not been reported in the literature in individuals affected with DOLK-related conditions. This variant is not present in population databases (ExAC no frequency). This sequence change replaces methionine with threonine at codon 155 of the DOLK protein (p.Met155Thr). The methionine residue is moderately conserved and there is a moderate physicochemical difference between methionine and threonine.

NM_014908.4(DOLK):c.464T>C (p.Met155Thr)

Gene: DOLK (dolichol kinase; minus strand). Cytogenetic location: 9q34.11.
Variant type: single nucleotide variant.
Coding change: c.464T>C on transcript NM_014908.4 (MANE Select); coding-DNA position 464, T replaced by C.
Protein change: p.Met155Thr; replaces methionine 155 with threonine.
Molecular consequence: missense variant.
Genome position (GRCh38, 1-based): chr9:128,946,840, A>G on the plus strand (T>C on the coding strand, the complement: DOLK is on the minus strand). VCF-style: chr9-128946840-A-G. GRCh37 (hg19) VCF-style: chr9-131709119-A-G.
Other names: short protein forms M155T.
Identifiers: ClinVar variation 1503457 (VCV001503457.8), dbSNP rs2131128665, ClinGen allele CA375125471.